The following is an entry in ClinVar:

ClinVar aggregate classification (germline): Uncertain significance (1 of 4 stars; one submission).

Conditions:
Hereditary cancer-predisposing syndrome. Also called: Neoplastic Syndromes, Hereditary; Tumor predisposition; Hereditary Cancer Syndrome; Hereditary neoplastic syndrome. Identifiers: Orphanet 140162, MedGen C0027672, MeSH D009386, MONDO:0015356.

Submission:

Ambry Genetics
Classification: Uncertain significance for Hereditary cancer-predisposing syndrome. Last evaluated: 2021-11-17. Review status: criteria provided, single submitter. Criteria: Ambry Variant Classification Scheme 2023. Collection method: clinical testing. Allele origin: germline.
Comment: The c.331+3A>G intronic variant results from an A to G substitution 3 nucleotides after coding exon 3 in the ATM gene. This nucleotide position is well conserved in available vertebrate species. In silico splice site analysis predicts that this alteration will not have any significant effect on splicing; however, direct evidence is insufficient at this time (Ambry internal data). Since supporting evidence is limited at this time, the clinical significance of this alteration remains unclear.

NM_000051.4(ATM):c.331+3A>G

Gene: ATM (ATM serine/threonine kinase; plus strand). Cytogenetic location: 11q22.3.
Variant type: single nucleotide variant.
Coding change: c.331+3A>G on transcript NM_000051.4 (MANE Select); 3 bases into the intron after coding-DNA position 331, A replaced by G.
Molecular consequence: intron variant. On other transcripts: missense variant (2).
Genome position (GRCh38, 1-based): chr11:108,229,326, A>G. VCF-style: chr11-108229326-A-G. GRCh37 (hg19) VCF-style: chr11-108100053-A-G.
Other names: c.334A>G, p.Lys112Glu (NM_001351835.2, NM_001351836.2); c.331+3A>G (NM_001351834.2); short protein forms K112E.
Identifiers: ClinVar variation 1730084 (VCV001730084.2), dbSNP rs2078894221, ClinGen allele CA382521851.